The following is an entry in ClinVar:

NM_001794.5(CDH4):c.1188+7C>A

Gene: CDH4 (cadherin 4; plus strand). Cytogenetic location: 20q13.33.
Variant type: single nucleotide variant.
Coding change: c.1188+7C>A on transcript NM_001794.5 (MANE Select); 7 bases into the intron after coding-DNA position 1188, C replaced by A.
Molecular consequence: intron variant.
Genome position (GRCh38, 1-based): chr20:61,895,054, C>A. VCF-style: chr20-61895054-C-A. GRCh37 (hg19) VCF-style: chr20-60470110-C-A.
Other names: c.1077+7C>A (NM_001252338.2); c.966+7C>A (NM_001252339.3).
Identifiers: ClinVar variation 3043842 (VCV003043842.2), dbSNP rs113714586, ClinGen allele CA9934615.

ClinVar aggregate classification (germline): Likely benign (0 of 4 stars; one submission).

Conditions:
CDH4-related disorder. Also called: CDH4-related condition.

Allele frequency attached by ClinVar (database versions not stated): gnomAD exomes 0.00016; ExAC 0.00065; gnomAD 0.00196; TOPMed 0.00204; 1000 Genomes Project 30x 0.00234; 1000 Genomes Project 0.00240; ESP Exome Variant Server 0.00246.
gnomAD v4.1: 556 of 1,612,998 alleles (0.034%); highest among the groups gnomAD compares: African/African-American, 0.63%; 1 homozygote.

Submission:

PreventionGenetics, part of Exact Sciences
Classification: Likely benign for CDH4-related condition. Last evaluated: 2019-06-04. Review status: no assertion criteria provided. Collection method: clinical testing. Allele origin: germline.
Comment: This variant is classified as likely benign based on ACMG/AMP sequence variant interpretation guidelines (Richards et al. 2015 PMID: 25741868, with internal and published modifications).